The following is an entry in ClinVar:

ClinVar aggregate classification (germline): Uncertain significance (1 of 4 stars; one submission).

gnomAD v4.1: 106 of 1,613,446 alleles (0.0066%); highest among the groups gnomAD compares: Non-Finnish European, 0.0081%; no homozygotes.

Submission:

Labcorp Genetics (formerly Invitae), Labcorp
Classification: Uncertain significance. Last evaluated: 2025-10-11. Review status: criteria provided, single submitter. Criteria: Invitae Variant Classification Sherloc (09022015). Collection method: clinical testing. Allele origin: germline.
Comment: This sequence change falls in intron 6 of the SLC34A2 gene. It does not directly change the encoded amino acid sequence of the SLC34A2 protein. This variant is present in population databases (rs35948699, gnomAD 0.006%). This variant has not been reported in the literature in individuals affected with SLC34A2-related conditions. Algorithms developed to predict the effect of sequence changes on RNA splicing suggest that this variant may create or strengthen a splice site. In summary, the available evidence is currently insufficient to determine the role of this variant in disease. Therefore, it has been classified as a Variant of Uncertain Significance.

NM_006424.3(SLC34A2):c.636-6C>A

Gene: SLC34A2 (solute carrier family 34 member 2; plus strand). Cytogenetic location: 4p15.2.
Variant type: single nucleotide variant.
Coding change: c.636-6C>A on transcript NM_006424.3 (MANE Select); 6 bases into the intron before coding-DNA position 636, C replaced by A.
Molecular consequence: intron variant.
Genome position (GRCh38, 1-based): chr4:25,669,641, C>A. VCF-style: chr4-25669641-C-A. GRCh37 (hg19) VCF-style: chr4-25671263-C-A.
Other names: c.633-6C>A (NM_001177998.2, NM_001177999.2).
Identifiers: ClinVar variation 4748691 (VCV004748691.1).
Genomic context (GRCh38, chr4:25,669,641, plus strand): 5'-GACCCACCTCACATGGTGCCCACTTGCTTAGTGACTAATCTGGCTGTCGGGGTTTCCCTC[C>A]CATAGAGCTTTTGCAGGAGCCACTGTCCATGACTTCTTCAACTGGCTGTCCGTGTTGGTG-3'